The following is an entry in ClinVar:

NM_022124.6(CDH23):c.3090del (p.Ser1031fs)

Gene: CDH23 (cadherin related 23; plus strand). Cytogenetic location: 10q22.1.
Variant type: Deletion.
Coding change: c.3090del on transcript NM_022124.6 (MANE Select); coding-DNA position 3090, one base deleted (C; older notation c.3090delC).
Protein change: p.Ser1031fs; shifts the reading frame from serine 1031.
Molecular consequence: frameshift variant.
Genome position (GRCh38, 1-based): chr10:71,707,033, C deleted. VCF-style (leftmost placement, unchanged base first): chr10-71707032-TC-T. GRCh37 (hg19) VCF-style: chr10-73466789-TC-T.
Other names: c.3090del, p.Ser1031fs (NM_001171930.2, NM_001171931.2); short protein forms S1031fs.
Identifiers: ClinVar variation 2004971 (VCV002004971.4), dbSNP rs2494071154, ClinGen allele CA2580081872.

ClinVar aggregate classification (germline): Pathogenic (1 of 4 stars; one submission).

Submission:

Labcorp Genetics (formerly Invitae), Labcorp
Classification: Pathogenic. Last evaluated: 2022-06-12. Review status: criteria provided, single submitter. Criteria: Invitae Variant Classification Sherloc (09022015). Collection method: clinical testing. Allele origin: germline.
Comment: For these reasons, this variant has been classified as Pathogenic. This sequence change creates a premature translational stop signal (p.Ser1031Alafs*22) in the CDH23 gene. It is expected to result in an absent or disrupted protein product. Loss-of-function variants in CDH23 are known to be pathogenic (PMID: 11138009, 21940737). This variant is not present in population databases (gnomAD no frequency). This variant has not been reported in the literature in individuals affected with CDH23-related conditions.

Literature cited by the submitters: PubMed 11138009; PubMed 21940737.